The following is an entry in ClinVar:

NM_007194.4(CHEK2):c.783_784del (p.Glu263fs)

Gene: CHEK2 (checkpoint kinase 2; minus strand). Cytogenetic location: 22q12.1.
Variant type: Deletion.
Coding change: c.783_784del on transcript NM_007194.4 (MANE Select); coding-DNA positions 783 to 784, 2 bases deleted (AA; older notation c.783_784delAA).
Protein change: p.Glu263fs; shifts the reading frame from glutamic acid 263.
Molecular consequence: frameshift variant.
Genome position (GRCh38, 1-based): chr22:28,711,917-28,711,918, TT deleted on the plus strand (AA on the coding strand, the reverse complement: CHEK2 is on the minus strand). VCF-style (leftmost placement, unchanged base first): chr22-28711916-CTT-C. GRCh37 (hg19) VCF-style: chr22-29107904-CTT-C.
Other names: c.912_913delAA, p.Glu306Glyfs (NM_001005735.3); c.120_121delAA, p.Glu42Glyfs (NM_001257387.3); c.582_583delAA, p.Glu196Glyfs (NM_001349956.3); c.783_784delAA, p.Glu263Glyfs (NM_145862.3); short protein forms E263fs, E306fs, E42fs, E196fs.
Identifiers: ClinVar variation 410003 (VCV000410003.7), dbSNP rs1060502687, ClinGen allele CA16616561.

ClinVar aggregate classification (germline): Pathogenic (1 of 4 stars; one submission).

Conditions:
Familial cancer of breast. Also called: BREAST CANCER, FAMILIAL; Hereditary breast cancer; hereditary breast carcinoma. Identifiers: Orphanet 227535, MedGen C0346153, MONDO:0016419, OMIM 114480. Disease mechanism: loss of function.

Submission:

Labcorp Genetics (formerly Invitae), Labcorp
Classification: Pathogenic for Familial cancer of breast. Last evaluated: 2021-06-07. Review status: criteria provided, single submitter. Criteria: Invitae Variant Classification Sherloc (09022015). Collection method: clinical testing. Allele origin: germline.
Comment: This sequence change deletes 2 nucleotides from exon 6 of the CHEK2 mRNA (c.783_784delAA), causing a frameshift at codon 263. This creates a premature translational stop signal (p.Glu263Glyfs*8) and is expected to result in an absent or disrupted protein product. While this particular variant has not been reported in the literature, loss-of-function variants in CHEK2 are known to be pathogenic (PMID: 21876083, 24713400). For these reasons, this variant has been classified as Pathogenic.

Literature cited by the submitters: PubMed 21876083; PubMed 24713400.